The following is an entry in ClinVar:

NM_000379.4(XDH):c.2941C>T (p.Arg981Trp)

Gene: XDH (xanthine dehydrogenase; minus strand). Cytogenetic location: 2p23.1.
Variant type: single nucleotide variant.
Coding change: c.2941C>T on transcript NM_000379.4 (MANE Select); coding-DNA position 2941, C replaced by T.
Protein change: p.Arg981Trp; replaces arginine 981 with tryptophan.
Molecular consequence: missense variant.
Genome position (GRCh38, 1-based): chr2:31,349,714, G>A on the plus strand (C>T on the coding strand, the complement: XDH is on the minus strand). VCF-style: chr2-31349714-G-A. GRCh37 (hg19) VCF-style: chr2-31572580-G-A.
Other names: short protein forms R981W.
Identifiers: ClinVar variation 2072204 (VCV002072204.2), dbSNP rs775019798, ClinGen allele CA1598626.

ClinVar aggregate classification (germline): Uncertain significance (1 of 4 stars; one submission).

Conditions:
Xanthinuria type II. Also called: Xanthine dehydrogenase and aldehyde oxidase combined deficiency of; XDH and AOX dual deficiency. Identifiers: Orphanet 3467, Orphanet 93602, MedGen C1863688, MONDO:0011346, OMIM 603592.

Allele frequency attached by ClinVar (database versions not stated): gnomAD 0.00001; gnomAD exomes 0.00001; TOPMed 0.00001; ExAC 0.00002.
gnomAD v4.1: 22 of 1,614,010 alleles (0.0014%); highest among the groups gnomAD compares: Middle Eastern, 0.016%; no homozygotes.

Submission:

Labcorp Genetics (formerly Invitae), Labcorp
Classification: Uncertain significance for Xanthinuria type II. Last evaluated: 2025-02-03. Review status: criteria provided, single submitter. Criteria: Invitae Variant Classification Sherloc (09022015). Collection method: clinical testing. Allele origin: germline.
Comment: This sequence change replaces arginine, which is basic and polar, with tryptophan, which is neutral and slightly polar, at codon 981 of the XDH protein (p.Arg981Trp). This variant is present in population databases (rs775019798, gnomAD 0.003%). This variant has not been reported in the literature in individuals affected with XDH-related conditions. ClinVar contains an entry for this variant (Variation ID: 2072204). An algorithm developed to predict the effect of missense changes on protein structure and function (PolyPhen-2) suggests that this variant is likely to be disruptive. In summary, the available evidence is currently insufficient to determine the role of this variant in disease. Therefore, it has been classified as a Variant of Uncertain Significance.